The following is an entry in ClinVar:

ClinVar aggregate classification (germline): Uncertain significance. Review status: criteria provided, multiple submitters, no conflicts (2 of 4 stars). 2 submissions from 2 submitters: Uncertain significance (2). Last evaluated 2025-10-21.

Conditions:
5-Oxoprolinase deficiency (OPLAHD). Also called: 5-OXOPROLINURIA DUE TO 5-OXOPROLINASE DEFICIENCY. Identifiers: Orphanet 33572, MedGen C0268525, MONDO:0009825, OMIM 260005, HP:0040142.

Submissions (2):

Ambry Genetics
Classification: Uncertain significance. Last evaluated: 2025-10-21. Review status: criteria provided, single submitter. Criteria: Ambry Variant Classification Scheme 2023. Collection method: clinical testing. Allele origin: germline.

Labcorp Genetics (formerly Invitae), Labcorp
Classification: Uncertain significance for 5-Oxoprolinase deficiency. Last evaluated: 2022-06-04. Review status: criteria provided, single submitter. Criteria: Invitae Variant Classification Sherloc (09022015). Collection method: clinical testing. Allele origin: germline.
Comment: This sequence change replaces alanine, which is neutral and non-polar, with valine, which is neutral and non-polar, at codon 1093 of the OPLAH protein (p.Ala1093Val). In summary, the available evidence is currently insufficient to determine the role of this variant in disease. Therefore, it has been classified as a Variant of Uncertain Significance. Experimental studies and prediction algorithms are not available or were not evaluated, and the functional significance of this variant is currently unknown. This variant has not been reported in the literature in individuals affected with OPLAH-related conditions. This variant is not present in population databases (gnomAD no frequency).

NM_017570.5(OPLAH):c.3278C>T (p.Ala1093Val)

Gene: OPLAH (5-oxoprolinase, ATP-hydrolysing; minus strand). Cytogenetic location: 8q24.3.
Variant type: single nucleotide variant.
Coding change: c.3278C>T on transcript NM_017570.5 (MANE Select); coding-DNA position 3278, C replaced by T.
Protein change: p.Ala1093Val; replaces alanine 1093 with valine.
Molecular consequence: missense variant.
Genome position (GRCh38, 1-based): chr8:144,052,474, G>A on the plus strand (C>T on the coding strand, the complement: OPLAH is on the minus strand). VCF-style: chr8-144052474-G-A. GRCh37 (hg19) VCF-style: chr8-145107377-G-A.
Other names: c.3278C>T (NM_017570.3); short protein forms A1093V.
Identifiers: ClinVar variation 1951424 (VCV001951424.6), dbSNP rs1347787227, ClinGen allele CA372533068.